The following is an entry in ClinVar:

ClinVar aggregate classification (germline): Uncertain significance (1 of 4 stars; one submission).

Submission:

Women's Health and Genetics/Laboratory Corporation of America, LabCorp
Classification: Uncertain significance. Last evaluated: 2026-04-21. Review status: criteria provided, single submitter. Criteria: LabCorp Variant Classification Summary - May 2015. Collection method: clinical testing. Allele origin: germline.
Comment: Variant summary: DCX c.862C>T (p.Pro288Ser) results in a non-conservative amino acid change in the encoded protein sequence. Algorithms developed to predict the effect of missense changes on protein structure and function are either unavailable or do not agree on the potential impact of this missense change. The variant was absent in 182990 control chromosomes. The available data on variant occurrences in the general population are insufficient to allow any conclusion about variant significance. To our knowledge, no occurrence of c.862C>T in individuals affected with DCX-related conditions and no experimental evidence demonstrating its impact on protein function have been reported. No submitters have cited clinical-significance assessments for this variant to ClinVar. Based on the evidence outlined above, the variant was classified as uncertain significance.

NM_001195553.2(DCX):c.862C>T (p.Pro288Ser)

Gene: DCX (doublecortin; minus strand). Cytogenetic location: Xq23.
Variant type: single nucleotide variant.
Coding change: c.862C>T on transcript NM_001195553.2 (MANE Select); coding-DNA position 862, C replaced by T.
Protein change: p.Pro288Ser; replaces proline 288 with serine.
Molecular consequence: missense variant.
Genome position (GRCh38, 1-based): chrX:111,330,988, G>A on the plus strand (C>T on the coding strand, the complement: DCX is on the minus strand). VCF-style: chrX-111330988-G-A. GRCh37 (hg19) VCF-style: chrX-110574216-G-A.
Other names: c.1105C>T, p.Pro369Ser (NM_000555.3); c.862C>T, p.Pro288Ser (NM_001369370.1, NM_001369371.1, NM_001369372.1 and 6 more transcripts); short protein forms P288S, P369S.
Identifiers: ClinVar variation 4849181 (VCV004849181.1).